The following is an entry in ClinVar:

NC_000023.10:g.(?_110544895)_(111003247_?)del

Genes: ALG13 (ALG13 UDP-N-acetylglucosaminyltransferase subunit; plus strand), DCX (doublecortin; minus strand). Cytogenetic location: Xq23.
Variant type: Deletion.
Identifiers: ClinVar variation 2424029 (VCV002424029.5).

ClinVar aggregate classification (germline): Uncertain significance (1 of 4 stars; one submission).

Conditions:
Developmental and epileptic encephalopathy, 36 (DEE36). Also called: ALG13-CDG; Congenital disorder of glycosylation, type Is; Epileptic encephalopathy, early infantile, 36. Identifiers: Orphanet 324422, MedGen C4317295, MONDO:0010472, OMIM 300884.

Submission:

Labcorp Genetics (formerly Invitae), Labcorp
Classification: Uncertain significance for Developmental and epileptic encephalopathy, 36. Last evaluated: 2018-04-18. Review status: criteria provided, single submitter. Criteria: Invitae Variant Classification Sherloc (09022015). Collection method: clinical testing. Allele origin: germline.
Comment: A gross deletion of the genomic region encompassing the full coding sequence of the ALG13 gene has been identified. The boundaries of this event are unknown as the deletion extends beyond the assayed region for this gene and therefore may encompass additional genes. This variant has not been reported in the literature in individuals with ALG13-related disease. The current clinical and genetic evidence is not sufficient to establish whether loss-of-function variants in ALG13 cause disease. In summary, the available evidence is currently insufficient to determine the role of this variant in disease. Therefore, it has been classified as a Variant of Uncertain Significance.